The following is an entry in ClinVar:

ClinVar aggregate classification (germline): Uncertain significance. Review status: criteria provided, multiple submitters, no conflicts (2 of 4 stars). 2 submissions from 2 submitters: Uncertain significance (2). Last evaluated 2023-01-11.

Conditions:
Brody myopathy. Also called: BRODY DISEASE. Identifiers: Orphanet 53347, MedGen C1832918, MONDO:0010977, OMIM 601003.

Allele frequency attached by ClinVar (database versions not stated): gnomAD 0.00001; gnomAD exomes 0.00001; TOPMed 0.00001.
gnomAD v4.1: 12 of 1,614,072 alleles (0.00074%); highest among the groups gnomAD compares: South Asian, 0.0044%; no homozygotes.

Submissions (2):

Labcorp Genetics (formerly Invitae), Labcorp
Classification: Uncertain significance for Brody myopathy. Last evaluated: 2023-01-11. Review status: criteria provided, single submitter. Criteria: Invitae Variant Classification Sherloc (09022015). Collection method: clinical testing. Allele origin: germline.
Comment: In summary, the available evidence is currently insufficient to determine the role of this variant in disease. Therefore, it has been classified as a Variant of Uncertain Significance. Algorithms developed to predict the effect of missense changes on protein structure and function are either unavailable or do not agree on the potential impact of this missense change (SIFT: "Deleterious"; PolyPhen-2: "Probably Damaging"; Align-GVGD: "Class C0"). This variant has not been reported in the literature in individuals affected with ATP2A1-related conditions. This variant is not present in population databases (gnomAD no frequency). This sequence change replaces arginine, which is basic and polar, with cysteine, which is neutral and slightly polar, at codon 678 of the ATP2A1 protein (p.Arg678Cys).

GeneDx
Classification: Uncertain significance. Last evaluated: 2022-06-30. Review status: criteria provided, single submitter. Criteria: GeneDx Variant Classification Process June 2021. Collection method: clinical testing. Allele origin: germline. Affected: yes.
Comment: Not observed at significant frequency in large population cohorts (gnomAD); In silico analysis supports that this missense variant has a deleterious effect on protein structure/function; Has not been previously published as pathogenic or benign to our knowledge

NM_004320.6(ATP2A1):c.2032C>T (p.Arg678Cys)

Gene: ATP2A1 (ATPase sarcoplasmic/endoplasmic reticulum Ca2+ transporting 1; plus strand). Cytogenetic location: 16p11.2.
Variant type: single nucleotide variant.
Coding change: c.2032C>T on transcript NM_004320.6 (MANE Select); coding-DNA position 2032, C replaced by T.
Protein change: p.Arg678Cys; replaces arginine 678 with cysteine.
Molecular consequence: missense variant.
Genome position (GRCh38, 1-based): chr16:28,900,848, C>T. VCF-style: chr16-28900848-C-T. GRCh37 (hg19) VCF-style: chr16-28912169-C-T.
Other names: c.1657C>T, p.Arg553Cys (NM_001286075.2); c.2032C>T, p.Arg678Cys (NM_173201.5); short protein forms R553C, R678C.
Identifiers: ClinVar variation 1809817 (VCV001809817.5), dbSNP rs1567490865, ClinGen allele CA395411452.